The following is an entry in ClinVar:

ClinVar aggregate classification (germline): Uncertain significance. Review status: criteria provided, multiple submitters, no conflicts (2 of 4 stars). 3 submissions from 3 submitters: Uncertain significance (3). Last evaluated 2025-08-29.

Conditions:
Inborn genetic diseases. Identifiers: MedGen C0950123, MeSH D030342.

Allele frequency attached by ClinVar (database versions not stated): TOPMed 0.00003; ExAC 0.00004; ESP Exome Variant Server 0.00025; gnomAD 0.00003; gnomAD exomes 0.00005.
gnomAD v4.1: 34 of 1,612,634 alleles (0.0021%); highest among the groups gnomAD compares: Non-Finnish European, 0.0029%; no homozygotes.

Submissions (3):

Ambry Genetics
Classification: Uncertain significance for Inborn genetic diseases. Last evaluated: 2025-08-29. Review status: criteria provided, single submitter. Criteria: Ambry Variant Classification Scheme 2023. Collection method: clinical testing. Allele origin: germline.

Labcorp Genetics (formerly Invitae), Labcorp
Classification: Uncertain significance. Last evaluated: 2024-04-23. Review status: criteria provided, single submitter. Criteria: Invitae Variant Classification Sherloc (09022015). Collection method: clinical testing. Allele origin: germline.
Comment: This sequence change replaces valine, which is neutral and non-polar, with isoleucine, which is neutral and non-polar, at codon 3991 of the PCLO protein (p.Val3991Ile). This variant is present in population databases (rs201753136, gnomAD 0.005%). This variant has not been reported in the literature in individuals affected with PCLO-related conditions. ClinVar contains an entry for this variant (Variation ID: 2072398). Experimental studies and prediction algorithms are not available or were not evaluated, and the functional significance of this variant is currently unknown. In summary, the available evidence is currently insufficient to determine the role of this variant in disease. Therefore, it has been classified as a Variant of Uncertain Significance.

GeneDx
Classification: Uncertain significance. Last evaluated: 2023-11-18. Review status: criteria provided, single submitter. Criteria: GeneDx Variant Classification Process June 2021. Collection method: clinical testing. Allele origin: germline. Affected: yes.
Comment: In silico analysis supports that this missense variant does not alter protein structure/function; Has not been previously published as pathogenic or benign to our knowledge; Variants in candidate genes are classified as variants of uncertain significance in accordance with ACMG guidelines (PMID: 25741868)

NM_033026.6(PCLO):c.11971G>A (p.Val3991Ile)

Gene: PCLO (piccolo presynaptic cytomatrix protein; minus strand). Cytogenetic location: 7q21.11.
Variant type: single nucleotide variant.
Coding change: c.11971G>A on transcript NM_033026.6 (MANE Select); coding-DNA position 11971, G replaced by A.
Protein change: p.Val3991Ile; replaces valine 3991 with isoleucine.
Molecular consequence: missense variant.
Genome position (GRCh38, 1-based): chr7:82,916,015, C>T on the plus strand (G>A on the coding strand, the complement: PCLO is on the minus strand). VCF-style: chr7-82916015-C-T. GRCh37 (hg19) VCF-style: chr7-82545331-C-T.
Other names: c.11971G>A (NM_033026.5); c.11971G>A, p.Val3991Ile (NM_014510.3); short protein forms V3991I.
Identifiers: ClinVar variation 2072398 (VCV002072398.5), dbSNP rs201753136, ClinGen allele CA4319474.